The following is an entry in ClinVar:

ClinVar aggregate classification (germline): Conflicting classifications of pathogenicity. Review status: criteria provided, conflicting classifications (1 of 4 stars). 7 submissions from 7 submitters: Uncertain significance (6); Likely benign (1). Last evaluated 2025-07-17.

Conditions:
Hereditary cancer-predisposing syndrome. Also called: Neoplastic Syndromes, Hereditary; Tumor predisposition; Hereditary neoplastic syndrome; Hereditary Cancer Syndrome. Identifiers: Orphanet 140162, MedGen C0027672, MeSH D009386, MONDO:0015356.
Hereditary breast ovarian cancer syndrome. Also called: Hereditary breast and ovarian cancer syndrome; Hereditary breast and ovarian cancer; Hereditary breast and ovarian cancer syndrome (HBOC); Breast and ovarian cancer; Hereditary breast and/or ovarian cancer syndrome; BRCA1- and BRCA2-Associated Hereditary Breast and Ovarian Cancer. Identifiers: Orphanet 145, MedGen C0677776, MeSH D061325, MONDO:0003582. Disease mechanism: loss of function.
Medulloblastoma non-WNT/non-SHH. Identifiers: MedGen C4330667, MONDO:0850198.

Allele frequency attached by ClinVar (database versions not stated): gnomAD exomes below 0.00001 and 0.00001; ExAC 0.00001.
gnomAD v4.1: 2 of 1,609,212 alleles (0.00012%); highest among the groups gnomAD compares: Non-Finnish European, 0.000085%; no homozygotes.

Submissions (7):

Quest Diagnostics Nichols Institute San Juan Capistrano
Classification: Uncertain significance. Last evaluated: 2025-07-17. Review status: criteria provided, single submitter. Criteria: Quest Diagnostics criteria. Collection method: clinical testing. Allele origin: unknown.
Comment: The BRCA2 c.5546G>A (p.Gly1849Asp) variant has been reported in the published literature to be located in a region of the BRCA2 gene that is tolerant to missense sequence changes (PMID: 31911673 (2020)). The frequency of this variant in the general population (Genome Aggregation Database) is uninformative in the assessment of its pathogenicity. Analysis of this variant using bioinformatics tools for the prediction of the effect of amino acid changes on protein structure and function yielded predictions that this variant is benign. Based on the available information, we are unable to determine the clinical significance of this variant.

Labcorp Genetics (formerly Invitae), Labcorp
Classification: Uncertain significance for Hereditary breast ovarian cancer syndrome. Last evaluated: 2025-06-27. Review status: criteria provided, single submitter. Criteria: Invitae Variant Classification Sherloc (09022015). Collection method: clinical testing. Allele origin: germline.
Comment: This sequence change replaces glycine, which is neutral and non-polar, with aspartic acid, which is acidic and polar, at codon 1849 of the BRCA2 protein (p.Gly1849Asp). This variant is present in population databases (rs764527357, gnomAD 0.0009%). This variant has not been reported in the literature in individuals affected with BRCA2-related conditions. ClinVar contains an entry for this variant (Variation ID: 825822). Invitae Evidence Modeling of protein sequence and biophysical properties (such as structural, functional, and spatial information, amino acid conservation, physicochemical variation, residue mobility, and thermodynamic stability) indicates that this missense variant is not expected to disrupt BRCA2 protein function with a negative predictive value of 95%. In summary, the available evidence is currently insufficient to determine the role of this variant in disease. Therefore, it has been classified as a Variant of Uncertain Significance.

Ambry Genetics
Classification: Uncertain significance for Hereditary cancer-predisposing syndrome. Last evaluated: 2024-07-19. Review status: criteria provided, single submitter. Criteria: Ambry Variant Classification Scheme 2023. Collection method: clinical testing. Allele origin: germline.
Comment: The p.G1849D variant (also known as c.5546G>A), located in coding exon 10 of the BRCA2 gene, results from a G to A substitution at nucleotide position 5546. The glycine at codon 1849 is replaced by aspartic acid, an amino acid with similar properties. This amino acid position is well conserved in available vertebrate species. In addition, the in silico prediction for this alteration is inconclusive. Based on the available evidence, the clinical significance of this variant remains unclear.

University of Washington Department of Laboratory Medicine, University of Washington
Classification: Likely benign for Hereditary cancer-predisposing syndrome. Last evaluated: 2023-03-23. Review status: criteria provided, single submitter. Criteria: Dines et al. (Genet Med. 2020). Collection method: curation. Allele origin: germline.
Comment: Missense variant in a coldspot region where missense variants are very unlikely to be pathogenic (PMID:31911673).

BRCA2 exon 11 coldspot. Reclassification based on statistical prior probability.

Sema4
Classification: Uncertain significance for Hereditary cancer-predisposing syndrome. Last evaluated: 2021-10-22. Review status: criteria provided, single submitter. Criteria: Sema4 Curation Guidelines. Collection method: curation. Allele origin: germline.
Comment: The BRCA2 c.5546G>A (p.G1849D) variant has not been reported in the literature to our knowledge. It was observed in 2/112560 chromosomes of the Non-Finnish European subpopulation in the large and broad cohorts of the Genome Aggregation Database (PMID: 32461654). The variant has been reported in ClinVar (Variation ID 825822). Functional studies have not been performed, and in silico predictions of the variant's effect on protein function are inconclusive. The evidence is insufficient to meet ACMG/AMP criteria for classifying the variant as benign or pathogenic. Thus, the clinical significance of this variant is currently uncertain.

Color Diagnostics, LLC DBA Color Health
Classification: Uncertain significance for Hereditary cancer-predisposing syndrome. Last evaluated: 2021-10-21. Review status: criteria provided, single submitter. Criteria: ACMG Guidelines, 2015. Collection method: clinical testing. Allele origin: germline.
Comment: This missense variant replaces glycine with aspartic acid at codon 1849 of the BRCA2 protein. Computational prediction is inconclusive regarding the impact of this variant on protein structure and function (internally defined REVEL score threshold 0.5 < inconclusive < 0.7, PMID: 27666373). To our knowledge, functional studies have not been reported for this variant. This variant has not been reported in individuals affected with hereditary cancer in the literature. This variant has been identified in 2/248188 chromosomes in the general population by the Genome Aggregation Database (gnomAD). The available evidence is insufficient to determine the role of this variant in disease conclusively. Therefore, this variant is classified as a Variant of Uncertain Significance.

Laboratory of Medical Genetics Unit, Bambino Gesù Children's Hospital
Classification: Uncertain significance for Medulloblastoma non-WNT/non-SHH. Review status: criteria provided, single submitter. Criteria: ACMG Guidelines, 2015. Collection method: research. Allele origin: germline. Affected: yes.
Comment: The variant NM_000059.4 (BRCA2): c.5546G>A (p.Gly1849Asp) is rare in GnomAD and it is not reported in literature. It is annotated on Clinvar as likely benign/vus associated with Hereditary Cancer-predisposing Syndrome [RCV001024258] and Hereditary Breast Ovarian Cancer Syndrome [RCV001055240]. It is classified as VUS variant following the ACMG criteria (PM2).

Literature cited by the submitters: PubMed 31911673 (cited by Quest Diagnostics Nichols Institute San Juan Capistrano); PubMed 38153744 (cited by Quest Diagnostics Nichols Institute San Juan Capistrano).

NM_000059.4(BRCA2):c.5546G>A (p.Gly1849Asp)

Gene: BRCA2 (BRCA2 DNA repair associated; plus strand). Cytogenetic location: 13q13.1.
Variant type: single nucleotide variant.
Coding change: c.5546G>A on transcript NM_000059.4 (MANE Select); coding-DNA position 5546, G replaced by A.
Protein change: p.Gly1849Asp; replaces glycine 1849 with aspartic acid.
Molecular consequence: missense variant.
Genome position (GRCh38, 1-based): chr13:32,339,901, G>A. VCF-style: chr13-32339901-G-A. GRCh37 (hg19) VCF-style: chr13-32914038-G-A.
Other names: short protein forms G1849D.
Identifiers: ClinVar variation 825822 (VCV000825822.24), dbSNP rs764527357, ClinGen allele CA6940884.